The following is an entry in ClinVar:

ClinVar aggregate classification (germline): Uncertain significance (1 of 4 stars; one submission).

Submission:

Labcorp Genetics (formerly Invitae), Labcorp
Classification: Uncertain significance. Last evaluated: 2024-03-05. Review status: criteria provided, single submitter. Criteria: Invitae Variant Classification Sherloc (09022015). Collection method: clinical testing. Allele origin: germline.
Comment: This sequence change replaces lysine, which is basic and polar, with arginine, which is basic and polar, at codon 881 of the TBC1D8B protein (p.Lys881Arg). This variant is not present in population databases (gnomAD no frequency). This variant has not been reported in the literature in individuals affected with TBC1D8B-related conditions. An algorithm developed to predict the effect of missense changes on protein structure and function (PolyPhen-2) suggests that this variant is likely to be tolerated. In summary, the available evidence is currently insufficient to determine the role of this variant in disease. Therefore, it has been classified as a Variant of Uncertain Significance.

NM_017752.3(TBC1D8B):c.2642A>G (p.Lys881Arg)

Gene: TBC1D8B (TBC1 domain family member 8B; plus strand). Cytogenetic location: Xq22.3.
Variant type: single nucleotide variant.
Coding change: c.2642A>G on transcript NM_017752.3 (MANE Select); coding-DNA position 2642, A replaced by G.
Protein change: p.Lys881Arg; replaces lysine 881 with arginine.
Molecular consequence: missense variant.
Genome position (GRCh38, 1-based): chrX:106,866,013, A>G. VCF-style: chrX-106866013-A-G. GRCh37 (hg19) VCF-style: chrX-106109243-A-G.
Other names: short protein forms K881R.
Identifiers: ClinVar variation 2794636 (VCV002794636.3), dbSNP rs2521697045, ClinGen allele CA413820453.